The following is an entry in ClinVar:

NM_005883.3(APC2):c.4583G>C (p.Arg1528Pro)

Gene: APC2 (APC regulator of Wnt signaling pathway 2; plus strand). Cytogenetic location: 19p13.3.
Variant type: single nucleotide variant.
Coding change: c.4583G>C on transcript NM_005883.3 (MANE Select); coding-DNA position 4583, G replaced by C.
Protein change: p.Arg1528Pro; replaces arginine 1528 with proline.
Molecular consequence: missense variant.
Genome position (GRCh38, 1-based): chr19:1,467,884, G>C. VCF-style: chr19-1467884-G-C. GRCh37 (hg19) VCF-style: chr19-1467883-G-C.
Other names: c.4580G>C, p.Arg1527Pro (NM_001351273.1); short protein forms R1527P, R1528P.
Identifiers: ClinVar variation 2501849 (VCV002501849.3), dbSNP rs201831670, ClinGen allele CA403037415.

ClinVar aggregate classification (germline): Uncertain significance. Review status: criteria provided, multiple submitters, no conflicts (2 of 4 stars). 3 submissions from 3 submitters: Uncertain significance (3). Last evaluated 2025-10-25.

Conditions:
Inborn genetic diseases. Identifiers: MedGen C0950123, MeSH D030342.

Allele frequency attached by ClinVar (database versions not stated): 1000 Genomes Project 30x 0.00016.
gnomAD v4.1: 25 of 1,577,164 alleles (0.0016%); highest among the groups gnomAD compares: Admixed American, 0.041%; no homozygotes.

Submissions (3):

Ambry Genetics
Classification: Uncertain significance for Inborn genetic diseases. Last evaluated: 2025-10-25. Review status: criteria provided, single submitter. Criteria: Ambry Variant Classification Scheme 2023. Collection method: clinical testing. Allele origin: germline.

ARUP Laboratories, Molecular Genetics and Genomics, ARUP Laboratories
Classification: Uncertain significance. Last evaluated: 2024-02-02. Review status: criteria provided, single submitter. Criteria: ARUP Molecular Germline Variant Investigation Process 2024. Collection method: clinical testing. Allele origin: germline.

GeneDx
Classification: Uncertain significance. Last evaluated: 2022-11-14. Review status: criteria provided, single submitter. Criteria: GeneDx Variant Classification Process June 2021. Collection method: clinical testing. Allele origin: germline. Affected: yes.
Comment: In silico analysis supports that this missense variant does not alter protein structure/function; Has not been previously published as pathogenic or benign to our knowledge